The following is an entry in ClinVar:

ClinVar aggregate classification (germline): Uncertain significance (1 of 4 stars; one submission).

Allele frequency attached by ClinVar (database versions not stated): gnomAD exomes below 0.00001; gnomAD 0.00003; TOPMed 0.00003.
gnomAD v4.1: 8 of 1,613,978 alleles (0.0005%); highest among the groups gnomAD compares: Admixed American, 0.0083%; no homozygotes.

Submission:

Labcorp Genetics (formerly Invitae), Labcorp
Classification: Uncertain significance. Last evaluated: 2025-11-03. Review status: criteria provided, single submitter. Criteria: Invitae Variant Classification Sherloc (09022015). Collection method: clinical testing. Allele origin: germline.
Comment: This sequence change replaces leucine, which is neutral and non-polar, with valine, which is neutral and non-polar, at codon 802 of the MYO5B protein (p.Leu802Val). This variant is present in population databases (no rsID available, gnomAD 0.003%). This variant has not been reported in the literature in individuals affected with MYO5B-related conditions. ClinVar contains an entry for this variant (Variation ID: 1931870). Invitae Evidence Modeling of protein sequence and biophysical properties (such as structural, functional, and spatial information, amino acid conservation, physicochemical variation, residue mobility, and thermodynamic stability) indicates that this missense variant is not expected to disrupt MYO5B protein function with a negative predictive value of 80%. In summary, the available evidence is currently insufficient to determine the role of this variant in disease. Therefore, it has been classified as a Variant of Uncertain Significance.

NM_001080467.3(MYO5B):c.2404C>G (p.Leu802Val)

Gene: MYO5B (myosin VB; minus strand). Cytogenetic location: 18q21.1.
Variant type: single nucleotide variant.
Coding change: c.2404C>G on transcript NM_001080467.3 (MANE Select); coding-DNA position 2404, C replaced by G.
Protein change: p.Leu802Val; replaces leucine 802 with valine.
Molecular consequence: missense variant.
Genome position (GRCh38, 1-based): chr18:49,906,429, G>C on the plus strand (C>G on the coding strand, the complement: MYO5B is on the minus strand). VCF-style: chr18-49906429-G-C. GRCh37 (hg19) VCF-style: chr18-47432799-G-C.
Other names: short protein forms L802V.
Identifiers: ClinVar variation 1931870 (VCV001931870.5), dbSNP rs934453440, ClinGen allele CA299981377.